The following is an entry in ClinVar:

NM_002230.4(JUP):c.136G>T (p.Asp46Tyr)

Gene: JUP (junction plakoglobin; minus strand). Cytogenetic location: 17q21.2.
Variant type: single nucleotide variant.
Coding change: c.136G>T on transcript NM_002230.4 (MANE Select); coding-DNA position 136, G replaced by T.
Protein change: p.Asp46Tyr; replaces aspartic acid 46 with tyrosine.
Molecular consequence: missense variant.
Genome position (GRCh38, 1-based): chr17:41,771,719, C>A on the plus strand (G>T on the coding strand, the complement: JUP is on the minus strand). VCF-style: chr17-41771719-C-A. GRCh37 (hg19) VCF-style: chr17-39927971-C-A.
Other names: c.136G>T, p.Asp46Tyr (NM_001352773.2, NM_001352774.2, NM_001352775.2 and 3 more transcripts); short protein forms D46Y.
Identifiers: ClinVar variation 2200180 (VCV002200180.4), dbSNP rs782308879, ClinGen allele CA399506845.

ClinVar aggregate classification (germline): Uncertain significance (1 of 4 stars; one submission).

Conditions:
Naxos disease (NXD). Also called: PALMOPLANTAR KERATODERMA WITH ARRHYTHMOGENIC RIGHT VENTRICULAR CARDIOMYOPATHY AND WOOLLY HAIR; WOOLLY HAIR, PALMOPLANTAR KERATODERMA, AND CARDIAC ABNORMALITIES; CARDIOMYOPATHY, ARRHYTHMOGENIC RIGHT VENTRICULAR, WITH SKIN, HAIR, AND NAIL ABNORMALITIES; KERATOSIS PALMOPLANTARIS WITH ARRHYTHMOGENIC CARDIOMYOPATHY; MAL DE NAXOS. Identifiers: Orphanet 34217, MedGen C1832600, MONDO:0011017, OMIM 601214.
Arrhythmogenic right ventricular dysplasia 12. Also called: ARRHYTHMOGENIC RIGHT VENTRICULAR DYSPLASIA, FAMILIAL, 12. Identifiers: MedGen C1969081, MONDO:0012684, OMIM 611528.

Allele frequency attached by ClinVar (database versions not stated): TOPMed below 0.00001; gnomAD 0.00001.
gnomAD v4.1: 1 of 1,614,046 alleles (0.000062%); highest among the groups gnomAD compares: African/African-American, 0.0013%; no homozygotes.

Submission:

Labcorp Genetics (formerly Invitae), Labcorp
Classification: Uncertain significance for Arrhythmogenic right ventricular dysplasia 12; Naxos disease. Last evaluated: 2026-01-11. Review status: criteria provided, single submitter. Criteria: Invitae Variant Classification Sherloc (09022015). Collection method: clinical testing. Allele origin: germline.
Comment: This sequence change replaces aspartic acid, which is acidic and polar, with tyrosine, which is neutral and polar, at codon 46 of the JUP protein (p.Asp46Tyr). This variant is not present in population databases (gnomAD no frequency). This variant has not been reported in the literature in individuals affected with JUP-related conditions. ClinVar contains an entry for this variant (Variation ID: 2200180). An algorithm developed to predict the effect of missense changes on protein structure and function (PolyPhen-2) suggests that this variant is likely to be tolerated. In summary, the available evidence is currently insufficient to determine the role of this variant in disease. Therefore, it has been classified as a Variant of Uncertain Significance.